The following is an entry in ClinVar:

ClinVar aggregate classification (germline): Uncertain significance (1 of 4 stars; one submission).

Conditions:
Hereditary breast ovarian cancer syndrome. Also called: BRCA1- and BRCA2-Associated Hereditary Breast and Ovarian Cancer; Breast and ovarian cancer; Hereditary breast and/or ovarian cancer syndrome; Hereditary breast and ovarian cancer; Hereditary breast and ovarian cancer syndrome (HBOC); Hereditary breast and ovarian cancer syndrome. Identifiers: Orphanet 145, MedGen C0677776, MeSH D061325, MONDO:0003582. Disease mechanism: loss of function.

Submission:

Labcorp Genetics (formerly Invitae), Labcorp
Classification: Uncertain significance for Hereditary breast ovarian cancer syndrome. Last evaluated: 2023-07-25. Review status: criteria provided, single submitter. Criteria: Invitae Variant Classification Sherloc (09022015). Collection method: clinical testing. Allele origin: germline.
Comment: In summary, the available evidence is currently insufficient to determine the role of this variant in disease. Therefore, it has been classified as a Variant of Uncertain Significance. Advanced modeling of protein sequence and biophysical properties (such as structural, functional, and spatial information, amino acid conservation, physicochemical variation, residue mobility, and thermodynamic stability) performed at Invitae indicates that this missense variant is not expected to disrupt BRCA1 protein function. This variant has not been reported in the literature in individuals affected with BRCA1-related conditions. This variant is not present in population databases (gnomAD no frequency). This sequence change replaces proline, which is neutral and non-polar, with arginine, which is basic and polar, at codon 1469 of the BRCA1 protein (p.Pro1469Arg).

NM_007294.4(BRCA1):c.4406C>G (p.Pro1469Arg)

Gene: BRCA1 (BRCA1 DNA repair associated; minus strand). Cytogenetic location: 17q21.31.
Variant type: single nucleotide variant.
Coding change: c.4406C>G on transcript NM_007294.4 (MANE Select); coding-DNA position 4406, C replaced by G.
Protein change: p.Pro1469Arg; replaces proline 1469 with arginine.
Molecular consequence: missense variant. On other transcripts: intron variant (3).
Genome position (GRCh38, 1-based): chr17:43,076,566, G>C on the plus strand (C>G on the coding strand, the complement: BRCA1 is on the minus strand). VCF-style: chr17-43076566-G-C. GRCh37 (hg19) VCF-style: chr17-41228583-G-C.
Other names: c.4193C>G, p.Pro1398Arg (NM_001407900.1, NM_001407902.1, NM_001407908.1 and 12 more transcripts); c.4265C>G, p.Pro1422Arg (NM_001407697.1, NM_001407698.1, NM_001407724.1 and 13 more transcripts); c.4262C>G, p.Pro1421Arg (NM_001407732.1, NM_001407733.1, NM_001407734.1 and 21 more transcripts); c.4259C>G, p.Pro1420Arg (NM_001407838.1, NM_001407839.1, NM_001407841.1 and 12 more transcripts); c.4406C>G, p.Pro1469Arg (NM_001407854.1, NM_001407593.1, NM_001407594.1 and 8 more transcripts); c.4403C>G, p.Pro1468Arg (NM_001407858.1, NM_001407859.1, NM_001407860.1 and 17 more transcripts); c.4400C>G, p.Pro1467Arg (NM_001407861.1, NM_001407627.1, NM_001407628.1 and 14 more transcripts); c.4205C>G, p.Pro1402Arg (NM_001407862.1); and 71 more; short protein forms P1341R, P1356R, P1400R, P1420R, P1449R, P1464R, P1466R, P1467R.
Identifiers: ClinVar variation 2746294 (VCV002746294.3), dbSNP rs2052734184, ClinGen allele CA10592722.